The following is an entry in ClinVar:

ClinVar aggregate classification (germline): Uncertain significance (1 of 4 stars; one submission).

Conditions:
Hereditary cancer-predisposing syndrome. Also called: Hereditary Cancer Syndrome; Hereditary neoplastic syndrome; Neoplastic Syndromes, Hereditary; Tumor predisposition. Identifiers: Orphanet 140162, MedGen C0027672, MeSH D009386, MONDO:0015356.

Submission:

Ambry Genetics
Classification: Uncertain significance for Hereditary cancer-predisposing syndrome. Last evaluated: 2021-03-22. Review status: criteria provided, single submitter. Criteria: Ambry Variant Classification Scheme 2023. Collection method: clinical testing. Allele origin: germline.
Comment: The p.H1443Q variant (also known as c.4329C>G), located in coding exon 28 of the ATM gene, results from a C to G substitution at nucleotide position 4329. The histidine at codon 1443 is replaced by glutamine, an amino acid with highly similar properties. This amino acid position is well conserved in available vertebrate species. In addition, the in silico prediction for this alteration is inconclusive. Since supporting evidence is limited at this time, the clinical significance of this alteration remains unclear.

NM_000051.4(ATM):c.4329C>G (p.His1443Gln)

Gene: ATM (ATM serine/threonine kinase; plus strand). Cytogenetic location: 11q22.3.
Variant type: single nucleotide variant.
Coding change: c.4329C>G on transcript NM_000051.4 (MANE Select); coding-DNA position 4329, C replaced by G.
Protein change: p.His1443Gln; replaces histidine 1443 with glutamine.
Molecular consequence: missense variant.
Genome position (GRCh38, 1-based): chr11:108,289,694, C>G. VCF-style: chr11-108289694-C-G. GRCh37 (hg19) VCF-style: chr11-108160421-C-G.
Other names: c.4329C>G, p.His1443Gln (NM_001351834.2); short protein forms H1443Q.
Identifiers: ClinVar variation 1739745 (VCV001739745.2), dbSNP rs377065665, ClinGen allele CA382531893.